The following is an entry in ClinVar:

ClinVar aggregate classification (germline): Uncertain significance (1 of 4 stars; one submission).

Conditions:
NPC1-related disorder. Also called: NPC1-related condition.

Submission:

3billion
Classification: Uncertain significance for NPC1-related disorder. Last evaluated: 2025-09-03. Review status: criteria provided, single submitter. Criteria: ACMG Guidelines, 2015. Collection method: clinical testing. Allele origin: germline. Affected: yes.
Comment: The variant is not observed in the gnomAD v4.1.0 dataset. Predicted Consequence/Location: The variant is located in a mutational hot spot and/or well-established functional domain in which established pathogenic variants have been reported (PMID: 11333381, 15774455). Damaging effect on gene or gene product predicted by in silico programs is uncertain [REVEL: 0.35 (damaging >=0.6, benign <0.4), 3Cnet: 0.58 (damaging >0.75, benign <0.1)]. Therefore, this variant is classified as VUS according to the recommendation of ACMG/AMP guideline.

NM_000271.5(NPC1):c.3074T>C (p.Ile1025Thr)

Gene: NPC1 (NPC intracellular cholesterol transporter 1; minus strand). Cytogenetic location: 18q11.2.
Variant type: single nucleotide variant.
Coding change: c.3074T>C on transcript NM_000271.5 (MANE Select); coding-DNA position 3074, T replaced by C.
Protein change: p.Ile1025Thr; replaces isoleucine 1025 with threonine.
Molecular consequence: missense variant.
Genome position (GRCh38, 1-based): chr18:23,536,844, A>G on the plus strand (T>C on the coding strand, the complement: NPC1 is on the minus strand). VCF-style: chr18-23536844-A-G. GRCh37 (hg19) VCF-style: chr18-21116808-A-G.
Other names: short protein forms I1025T.
Identifiers: ClinVar variation 4294030 (VCV004294030.2).